The following is an entry in ClinVar:

ClinVar aggregate classification (germline): Uncertain significance. Review status: criteria provided, multiple submitters, no conflicts (2 of 4 stars). 3 submissions from 3 submitters: Uncertain significance (3). Last evaluated 2025-04-28.

Conditions:
Gorlin syndrome. Also called: Basal cell nevus syndrome; Nevoid Basal Cell Carcinoma Syndrome. Identifiers: Orphanet 377, MedGen C0004779, MONDO:0007187.
Basal cell carcinoma, susceptibility to, 1. Also called: BCC1. Identifiers: MedGen C2751544, MONDO:0011556, OMIM 605462.
Holoprosencephaly 7 (HPE7). Identifiers: Orphanet 2162, MedGen C1835820, MONDO:0012562, OMIM 610828.
Basal cell nevus syndrome 1 (BCNS1). Also called: GORLIN-GOLTZ SYNDROME; MULTIPLE BASAL CELL NEVI, ODONTOGENIC KERATOCYSTS, AND SKELETAL ANOMALIES. Identifiers: MedGen CN376810, MONDO:0958174, OMIM 109400.
Hereditary cancer-predisposing syndrome. Also called: Hereditary Cancer Syndrome; Tumor predisposition; Neoplastic Syndromes, Hereditary; Hereditary neoplastic syndrome. Identifiers: Orphanet 140162, MedGen C0027672, MeSH D009386, MONDO:0015356.

Submissions (3):

Ambry Genetics
Classification: Uncertain significance for Hereditary cancer-predisposing syndrome. Last evaluated: 2025-04-28. Review status: criteria provided, single submitter. Criteria: Ambry Variant Classification Scheme 2023. Collection method: clinical testing. Allele origin: germline.
Comment: The p.V881I variant (also known as c.2641G>A), located in coding exon 16 of the PTCH1 gene, results from a G to A substitution at nucleotide position 2641. The valine at codon 881 is replaced by isoleucine, an amino acid with highly similar properties. This amino acid position is conserved. In addition, the in silico prediction for this alteration is inconclusive. Based on the available evidence, the clinical significance of this variant remains unclear.

Labcorp Genetics (formerly Invitae), Labcorp
Classification: Uncertain significance for Gorlin syndrome. Last evaluated: 2022-03-08. Review status: criteria provided, single submitter. Criteria: Invitae Variant Classification Sherloc (09022015). Collection method: clinical testing. Allele origin: germline.
Comment: In summary, the available evidence is currently insufficient to determine the role of this variant in disease. Therefore, it has been classified as a Variant of Uncertain Significance. Advanced modeling of protein sequence and biophysical properties (such as structural, functional, and spatial information, amino acid conservation, physicochemical variation, residue mobility, and thermodynamic stability) performed at Invitae indicates that this missense variant is not expected to disrupt PTCH1 protein function. This variant has not been reported in the literature in individuals affected with PTCH1-related conditions. This variant is not present in population databases (gnomAD no frequency). This sequence change replaces valine, which is neutral and non-polar, with isoleucine, which is neutral and non-polar, at codon 881 of the PTCH1 protein (p.Val881Ile).

Juno Genomics, Hangzhou Juno Genomics, Inc
Classification: Uncertain significance for Basal cell nevus syndrome 1; Basal cell carcinoma, susceptibility to, 1; Holoprosencephaly 7. Review status: criteria provided, single submitter. Criteria: ACMG Guidelines, 2015. Collection method: clinical testing. Allele origin: germline.
Comment: Absent from controls (or at extremely low frequency if recessive) in Genome Aggregation Database.;Missense variant in a gene that has a low rate of benign missense variation.

NM_000264.5(PTCH1):c.2641G>A (p.Val881Ile)

Gene: PTCH1 (patched 1; minus strand). Cytogenetic location: 9q22.32.
Variant type: single nucleotide variant.
Coding change: c.2641G>A on transcript NM_000264.5 (MANE Select); coding-DNA position 2641, G replaced by A.
Protein change: p.Val881Ile; replaces valine 881 with isoleucine.
Molecular consequence: missense variant. On other transcripts: non-coding transcript variant (1).
Genome position (GRCh38, 1-based): chr9:95,461,918, C>T on the plus strand (G>A on the coding strand, the complement: PTCH1 is on the minus strand). VCF-style: chr9-95461918-C-T. GRCh37 (hg19) VCF-style: chr9-98224200-C-T.
Other names: c.2443G>A, p.Val815Ile (NM_001083602.3); c.2638G>A, p.Val880Ile (NM_001083603.3); c.2188G>A, p.Val730Ile (NM_001083604.3, NM_001083605.3, NM_001083606.3 and 1 more transcripts); c.2485G>A, p.Val829Ile (NM_001354918.2); short protein forms V829I, V880I, V730I, V815I, V881I.
Identifiers: ClinVar variation 2145206 (VCV002145206.7), dbSNP rs2136688129, ClinGen allele CA374113410.
Genomic context (GRCh38, chr9:95,461,918, plus strand): 5'-GGCTGATGTCGATGGGCTTATCGCGGCTGCCGGTTTGCACCAGGAGTTTGTAGGCAAGGA[C>T]TCCATCGTCTGATCCATTCTTGTAATTGTTTGGCATGATTTTCCCGGTTTCCCAGTCACT-3'
Protein context (NP_000255.2, residues 871-891): NNYKNGSDDG[Val881Ile]LAYKLLVQTG